The following is an entry in ClinVar:

NM_020297.4(ABCC9):c.3370G>A (p.Ala1124Thr)

Gene: ABCC9 (ATP binding cassette subfamily C member 9; minus strand). Cytogenetic location: 12p12.1.
Variant type: single nucleotide variant.
Coding change: c.3370G>A on transcript NM_020297.4 (MANE Select); coding-DNA position 3370, G replaced by A.
Protein change: p.Ala1124Thr; replaces alanine 1124 with threonine.
Molecular consequence: missense variant.
Genome position (GRCh38, 1-based): chr12:21,842,417, C>T on the plus strand (G>A on the coding strand, the complement: ABCC9 is on the minus strand). VCF-style: chr12-21842417-C-T. GRCh37 (hg19) VCF-style: chr12-21995351-C-T.
Other names: c.3370G>A, p.Ala1124Thr (NM_001377273.1, NM_005691.4); c.2503G>A, p.Ala835Thr (NM_001377274.1); short protein forms A1124T, A835T.
Identifiers: ClinVar variation 3655705 (VCV003655705.2).

ClinVar aggregate classification (germline): Uncertain significance (1 of 4 stars; one submission).

Conditions:
Dilated cardiomyopathy 1O (CMD1O). Also called: CARDIOMYOPATHY, DILATED, WITH VENTRICULAR TACHYCARDIA. Identifiers: Orphanet 154, MedGen C1837839, MONDO:0012062, OMIM 608569.

Submission:

Labcorp Genetics (formerly Invitae), Labcorp
Classification: Uncertain significance for Dilated cardiomyopathy 1O. Last evaluated: 2024-06-05. Review status: criteria provided, single submitter. Criteria: Invitae Variant Classification Sherloc (09022015). Collection method: clinical testing. Allele origin: germline.
Comment: This sequence change replaces alanine, which is neutral and non-polar, with threonine, which is neutral and polar, at codon 1124 of the ABCC9 protein (p.Ala1124Thr). This variant is not present in population databases (gnomAD no frequency). This variant has not been reported in the literature in individuals affected with ABCC9-related conditions. Advanced modeling of protein sequence and biophysical properties (such as structural, functional, and spatial information, amino acid conservation, physicochemical variation, residue mobility, and thermodynamic stability) performed at Invitae indicates that this missense variant is expected to disrupt ABCC9 protein function with a positive predictive value of 95%. In summary, the available evidence is currently insufficient to determine the role of this variant in disease. Therefore, it has been classified as a Variant of Uncertain Significance.